The following is an entry in ClinVar:

NM_000834.5(GRIN2B):c.465C>A (p.Ser155=)

Gene: GRIN2B (glutamate ionotropic receptor NMDA type subunit 2B; minus strand). Cytogenetic location: 12p13.1.
Variant type: single nucleotide variant.
Coding change: c.465C>A on transcript NM_000834.5 (MANE Select); coding-DNA position 465, C replaced by A.
Protein change: p.Ser155=; no amino-acid change (serine 155 retained).
Molecular consequence: synonymous variant.
Genome position (GRCh38, 1-based): chr12:13,753,862, G>T on the plus strand (C>A on the coding strand, the complement: GRIN2B is on the minus strand). VCF-style: chr12-13753862-G-T. GRCh37 (hg19) VCF-style: chr12-13906796-G-T.
Other names: p.S155S:TCC>TCA.
Identifiers: ClinVar variation 98441 (VCV000098441.21), dbSNP rs115189840, ClinGen allele CA225833.
Genomic context (GRCh38, chr12:13,753,862, plus strand): 5'-ATAGGTGGTGACGATAGAAAAGATGTACCAGTCATATTCTTCCATGATGTTGAGCATTAC[G>T]GAAGCTTGCTGTTCAATTGATGGGCCAAACTGGAAGAACATGGAGGATTCATCCTAGAAA-3'
Protein context (NP_000825.2, residues 145-165): QFGPSIEQQA[Ser155=]VMLNIMEEYD

ClinVar aggregate classification (germline): Benign/Likely benign. Review status: criteria provided, multiple submitters, no conflicts (2 of 4 stars). 6 submissions from 6 submitters: Benign (2); Likely benign (3). 1 of the submissions does not count toward it. Last evaluated 2026-04-01.

Conditions:
Inborn genetic diseases. Identifiers: MedGen C0950123, MeSH D030342.
Intellectual developmental disorder, autosomal dominant 6, with or without seizures. Also called: Intellectual disability, autosomal dominant 6; GRIN2B-related developmental delay, intellectual disability and autism spectrum disorder. Identifiers: Orphanet 589547, MedGen C3151411, MONDO:0013509, OMIM 613970.
Developmental and epileptic encephalopathy, 27 (DEE27). Also called: Epileptic encephalopathy, early infantile, 27; GRIN2B-Related Neurodevelopmental Disorder. Identifiers: Orphanet 3451, MedGen C4015316, MONDO:0014505, OMIM 616139.

Allele frequency attached by ClinVar (database versions not stated): TOPMed 0.00085; 1000 Genomes Project 30x 0.00094; 1000 Genomes Project 0.00100; ESP Exome Variant Server 0.00108.
gnomAD v4.1: 214 of 1,613,840 alleles (0.013%); highest among the groups gnomAD compares: African/African-American, 0.27%; no homozygotes.

Submissions (6):

CeGaT Center for Human Genetics Tuebingen
Classification: Likely benign. Last evaluated: 2026-04-01. Review status: criteria provided, single submitter. Criteria: CeGaT Center For Human Genetics Tuebingen Variant Classification Criteria Version 2. Collection method: clinical testing. Allele origin: germline. Affected: yes. Observed: 3 variant alleles.
Comment: GRIN2B: BP4, BP7, BS1

Labcorp Genetics (formerly Invitae), Labcorp
Classification: Benign for Developmental and epileptic encephalopathy, 27; Intellectual developmental disorder, autosomal dominant 6, with or without seizures. Last evaluated: 2026-02-03. Review status: criteria provided, single submitter. Criteria: Invitae Variant Classification Sherloc (09022015). Collection method: clinical testing. Allele origin: germline.

Blueprint Genetics
Classification: Likely benign. Last evaluated: 2024-09-24. Review status: criteria provided, single submitter. Criteria: ACMG Guidelines, 2015. Collection method: clinical testing. Allele origin: germline.

Ambry Genetics
Classification: Likely benign for Inborn genetic diseases. Last evaluated: 2017-07-21. Review status: criteria provided, single submitter. Criteria: Ambry Variant Classification Scheme 2023. Collection method: clinical testing. Allele origin: germline.

GeneDx
Classification: Benign. Last evaluated: 2014-05-02. Review status: criteria provided, single submitter. Criteria: GeneDx Variant Classification (06012015). Collection method: clinical testing. Allele origin: germline. Affected: yes.
Comment: This variant is considered likely benign or benign based on one or more of the following criteria: it is a conservative change, it occurs at a poorly conserved position in the protein, it is predicted to be benign by multiple in silico algorithms, and/or has population frequency not consistent with disease.

Psychiatry Genetics Yale University
No classification provided. Review status: no classification provided. Collection method: not provided. Allele origin: not provided. Not counted in ClinVar's aggregate classification.